The following is an entry in ClinVar:

ClinVar aggregate classification (germline): Uncertain significance. Review status: criteria provided, multiple submitters, no conflicts (2 of 4 stars). 8 submissions from 8 submitters: Uncertain significance (6). 2 of the submissions do not count toward it. Last evaluated 2025-10-01.

Conditions:
Autosomal recessive limb-girdle muscular dystrophy type 2A (LGMDR1). Also called: LEYDEN-MOEBIUS MUSCULAR DYSTROPHY; MUSCULAR DYSTROPHY, PELVOFEMORAL; Limb-girdle muscular dystrophy, type 2A; Calpainopathy; Muscular dystrophy, limb-girdle, type 2A, Amish. Identifiers: Orphanet 267, MedGen C1869123, MONDO:0009675, OMIM 253600. Disease mechanism: loss of function.
Muscular dystrophy, limb-girdle, autosomal dominant 4. Also called: Calpain-3-related limb-girdle muscular dystrophy D4; MUSCULAR DYSTROPHY, LIMB-GIRDLE, TYPE 1I. Identifiers: Orphanet 565909, MedGen C4748295, MONDO:0029133, OMIM 618129.

Allele frequency attached by ClinVar (database versions not stated): gnomAD 0.00001 and 0.00004; TOPMed 0.00003; gnomAD exomes 0.00007 and 0.00015; 1000 Genomes Project 30x 0.00016; ExAC 0.00018; 1000 Genomes Project 0.00020.
gnomAD v4.1: 121 of 1,614,234 alleles (0.0075%); highest among the groups gnomAD compares: South Asian, 0.079%; no homozygotes.

Submissions (8):

Labcorp Genetics (formerly Invitae), Labcorp
Classification: Uncertain significance for Autosomal recessive limb-girdle muscular dystrophy type 2A. Last evaluated: 2025-10-01. Review status: criteria provided, single submitter. Criteria: Invitae Variant Classification Sherloc (09022015). Collection method: clinical testing. Allele origin: germline.
Comment: This sequence change replaces leucine, which is neutral and non-polar, with valine, which is neutral and non-polar, at codon 87 of the CAPN3 protein (p.Leu87Val). This variant is present in population databases (rs558925493, gnomAD 0.09%). This missense change has been observed in individual(s) with clinical features of limb-girdle muscular dystrophy (PMID: 16141003, 34816580, 36374152). ClinVar contains an entry for this variant (Variation ID: 551283). Invitae Evidence Modeling of protein sequence and biophysical properties (such as structural, functional, and spatial information, amino acid conservation, physicochemical variation, residue mobility, and thermodynamic stability) indicates that this missense variant is not expected to disrupt CAPN3 protein function with a negative predictive value of 80%. In summary, the available evidence is currently insufficient to determine the role of this variant in disease. Therefore, it has been classified as a Variant of Uncertain Significance.

Revvity Omics, Revvity
Classification: Uncertain significance. Last evaluated: 2023-02-10. Review status: criteria provided, single submitter. Criteria: ACMG Guidelines, 2015. Collection method: clinical testing. Allele origin: germline.

Fulgent Genetics
Classification: Uncertain significance for Autosomal recessive limb-girdle muscular dystrophy type 2A; Muscular dystrophy, limb-girdle, autosomal dominant 4. Last evaluated: 2021-09-23. Review status: criteria provided, single submitter. Criteria: ACMG Guidelines, 2015. Collection method: clinical testing. Allele origin: unknown.

CeGaT Center for Human Genetics Tuebingen
Classification: Uncertain significance. Last evaluated: 2021-01-01. Review status: criteria provided, single submitter. Criteria: CeGaT Center For Human Genetics Tuebingen Variant Classification Criteria Version 2. Collection method: clinical testing. Allele origin: germline. Affected: yes. Observed: 1 variant allele.

Eurofins Ntd Llc (ga)
Classification: Uncertain significance. Last evaluated: 2017-12-05. Review status: criteria provided, single submitter. Criteria: EGL Classification Definitions 2015. Collection method: clinical testing. Allele origin: germline. Observed: 1 variant allele, 1 heterozygote.

Illumina Laboratory Services, Illumina
Classification: Uncertain significance for Limb-girdle muscular dystrophy, type 2A. Last evaluated: 2017-04-28. Review status: criteria provided, single submitter. Criteria: ICSL Variant Classification Criteria 13 December 2019. Collection method: clinical testing. Allele origin: germline.
Comment: This variant was observed as part of a predisposition screen in an ostensibly healthy population. A literature search was performed for the gene, cDNA change, and amino acid change (where applicable). Publications were found based on this search. However, the evidence from the literature, in combination with allele frequency data from public databases where available, was not sufficient to rule this variant in or out of causing disease. Therefore, this variant is classified as a variant of unknown significance.

Natera, Inc.
Classification: Uncertain significance for Limb-girdle muscular dystrophy type 2A. Last evaluated: 2020-02-14. Review status: no assertion criteria provided. Collection method: clinical testing. Allele origin: germline. Not counted in ClinVar's aggregate classification.

Counsyl
Classification: Uncertain significance for Autosomal recessive limb-girdle muscular dystrophy type 2A. Last evaluated: 2017-03-29. Review status: no assertion criteria provided. Collection method: clinical testing. Allele origin: unknown. Not counted in ClinVar's aggregate classification.

Literature cited by the submitters: PubMed 16141003 (cited by 3 submitters); PubMed 34816580 (cited by Labcorp Genetics (formerly Invitae), Labcorp); PubMed 36374152 (cited by Labcorp Genetics (formerly Invitae), Labcorp).

NM_000070.3(CAPN3):c.259C>G (p.Leu87Val)

Gene: CAPN3 (calpain 3; plus strand). Cytogenetic location: 15q15.1.
Variant type: single nucleotide variant.
Coding change: c.259C>G on transcript NM_000070.3 (MANE Select); coding-DNA position 259, C replaced by G.
Protein change: p.Leu87Val; replaces leucine 87 with valine.
Molecular consequence: missense variant.
Genome position (GRCh38, 1-based): chr15:42,360,064, C>G. VCF-style: chr15-42360064-C-G. GRCh37 (hg19) VCF-style: chr15-42652262-C-G.
Other names: c.259C>G, p.Leu87Val (NM_024344.2, NM_173087.2); short protein forms L87V.
Identifiers: ClinVar variation 551283 (VCV000551283.57), dbSNP rs558925493, ClinGen allele CA7510882.
Genomic context (GRCh38, chr15:42,360,064, plus strand): 5'-AAATGTCTAGAAAAGAAAGTTCTTTATGTGGACCCTGAGTTCCCACCGGATGAGACCTCT[C>G]TCTTTTATAGCCAGAAGTTCCCCATCCAGTTCGTCTGGAAGAGACCTCCGGTGAGTAGCT-3'
Protein context (NP_000061.1, residues 77-97): DPEFPPDETS[Leu87Val]FYSQKFPIQF